The following is an entry in ClinVar:

ClinVar aggregate classification (germline): Uncertain significance (3 of 4 stars; one submission).

Conditions:
CYP1B1-related glaucoma with or without anterior segment dysgenesis. Identifiers: MedGen CN375931, MONDO:0800472.

gnomAD v4.1: 1 of 1,612,994 alleles (0.000062%); no homozygotes.

Submission:

ClinGen Glaucoma Variant Curation Expert Panel
Classification: Uncertain significance for CYP1B1-related glaucoma with or without anterior segment dysgenesis. Last evaluated: 2026-10-12. Review status: reviewed by expert panel. Criteria: ClinGen Glaucoma ACMG Specifications CYP1B1 V2.0. Collection method: curation. Allele origin: germline. Inheritance: Autosomal recessive inheritance.
Comment: The c.60G>A variant in CYP1B1 is a synonymous variant (p.Gln20=). The highest minor allele frequency of this variant was in the Remaining genetic ancestry group of gnomAD (v4.1) = 0.000016 (1 allele out of 62,442), which met the ≤ 0.0005 threshold set for PM2_Supporting in a genetic ancestry group of at least 2,000 alleles. The SpliceAI score = 0.06, which met the ≤ 0.1 threshold for BP4, suggesting that the variant does not impact CYP1B1 function. This synonymous variant is located outside of the first and the last 3 bases of the exon and BP4 is met, so BP7 is met. There was no functional evidence predicting a damaging or benign impact of this variant on CYP1B1 function. As BP4 was met, PM3 did not apply and occurrence of this variant with another CYP1B1 variant was not assessed. In summary, this variant met the criteria to receive a score of -1 and to be classified as a variant of uncertain significance (uncertain significance classification range -1 to 5, adapted from PMID: 32720330) for CYP1B1-related glaucoma with or without anterior segment dysgenesis (ASD) based on the ACMG/AMP criteria met, as specified by the ClinGen Glaucoma VCEP (v2.0, 16.07.2026): PM2_Supporting, BP4, BP7

NM_000104.4(CYP1B1):c.60G>A (p.Gln20=)

Gene: CYP1B1 (cytochrome P450 family 1 subfamily B member 1; minus strand). Cytogenetic location: 2p22.2.
Variant type: single nucleotide variant.
Coding change: c.60G>A on transcript NM_000104.4 (MANE Select); coding-DNA position 60, G replaced by A.
Protein change: p.Gln20=; no amino-acid change (glutamine 20 retained).
Molecular consequence: synonymous variant.
Genome position (GRCh38, 1-based): chr2:38,075,329, C>T on the plus strand (G>A on the coding strand, the complement: CYP1B1 is on the minus strand). VCF-style: chr2-38075329-C-T. GRCh37 (hg19) VCF-style: chr2-38302472-C-T.
Other names: NM_000104.4:c.60G>A.
Identifiers: ClinVar variation 5018473 (VCV005018473.1).
Genomic context (GRCh38, chr2:38,075,329, plus strand): 5'-CAGCAGCCGCTGGCCCACATGCACAGTGGCCAGCACCGACAGGAGTAGCAGGAGCGTGGT[C>T]TGCTGGATGGACAGCGGGTTTAGCGGCCAAGGGTCGTTCGGGCTGAGGCTGGTGCCCATG-3'
Protein context (NP_000095.2, residues 10-30): PWPLNPLSIQ[Gln20=]TTLLLLLSVL